The following is an entry in ClinVar:

NM_080732.4(EGLN2):c.776A>T (p.His259Leu)

Genes: EGLN2 (egl-9 family hypoxia inducible factor 2; plus strand), RAB4B-EGLN2 (RAB4B-EGLN2 readthrough (NMD candidate); plus strand). Cytogenetic location: 19q13.2.
Variant type: single nucleotide variant.
Coding change: c.776A>T on transcript NM_080732.4 (MANE Select); coding-DNA position 776, A replaced by T.
Protein change: p.His259Leu; replaces histidine 259 with leucine.
Molecular consequence: missense variant. On other transcripts: non-coding transcript variant (1).
Genome position (GRCh38, 1-based): chr19:40,801,348, A>T. VCF-style: chr19-40801348-A-T. GRCh37 (hg19) VCF-style: chr19-41307253-A-T.
Other names: c.776A>T, p.His259Leu (NM_053046.4); short protein forms H259L.
Identifiers: ClinVar variation 3229017 (VCV003229017.1), dbSNP rs949853896, ClinGen allele CA405955953.

ClinVar aggregate classification (germline): Uncertain significance (1 of 4 stars; one submission).

Submission:

Ambry Genetics
Classification: Uncertain significance. Last evaluated: 2024-02-28. Review status: criteria provided, single submitter. Criteria: Ambry Variant Classification Scheme 2023. Collection method: clinical testing. Allele origin: germline.
Comment: The p.H259L variant (also known as c.776A>T), located in coding exon 1 of the EGLN2 gene, results from an A to T substitution at nucleotide position 776. The histidine at codon 259 is replaced by leucine, an amino acid with similar properties. This amino acid position is conserved. In addition, the in silico prediction for this alteration is inconclusive. Based on the available evidence, the clinical significance of this alteration remains unclear.